The following is an entry in ClinVar:

ClinVar aggregate classification (germline): Benign. Review status: criteria provided, multiple submitters, no conflicts (2 of 4 stars). 4 submissions from 4 submitters: Benign (4). Last evaluated 2024-01-24.

Conditions:
Familial hemophagocytic lymphohistiocytosis 3 (FHL3). Also called: UNC13D-Related Familial Hemophagocytic Lymphohistiocytosis (UNC13D-fHLH). Identifiers: Orphanet 540, MedGen C1837174, MONDO:0012146, OMIM 608898.

Allele frequency attached by ClinVar (database versions not stated): 1000 Genomes Project 30x 0.06246; 1000 Genomes Project 0.06290; gnomAD 0.08493 and 0.08586; TOPMed 0.08611; ESP Exome Variant Server 0.09034; ExAC 0.09157; gnomAD exomes 0.09252 and 0.11130.
gnomAD v4.1: 175,554 of 1,612,904 alleles (11%); highest among the groups gnomAD compares: Non-Finnish European, 12%; 10,422 homozygotes.

Submissions (4):

Unidad de Genómica Garrahan, Hospital de Pediatría Garrahan
Classification: Benign. Last evaluated: 2024-01-24. Review status: criteria provided, single submitter. Criteria: ACMG Guidelines, 2015. Collection method: clinical testing. Allele origin: germline. Affected: no. Observed: 18 variant alleles.
Comment: This variant is classified as Benign based on local population frequency. This variant was detected in 20% of patients studied by a panel of primary immunodeficiencies. Number of patients: 18. Only high quality variants are reported.

Genome-Nilou Lab
Classification: Benign for Familial hemophagocytic lymphohistiocytosis 3. Last evaluated: 2021-12-05. Review status: criteria provided, single submitter. Criteria: ACMG Guidelines, 2015. Collection method: clinical testing. Allele origin: germline. Affected: no.

Breakthrough Genomics
Classification: Benign. Review status: criteria provided, single submitter. Criteria: ACMG Guidelines, 2015. Collection method: not provided. Allele origin: germline. Inheritance: Autosomal recessive inheritance. Affected: yes.

PreventionGenetics, part of Exact Sciences
Classification: Benign. Review status: criteria provided, single submitter. Criteria: ACMG Guidelines, 2015. Collection method: clinical testing. Allele origin: germline.

NM_199242.3(UNC13D):c.1389+36G>A

Gene: UNC13D (unc-13 homolog D; minus strand). Cytogenetic location: 17q25.1.
Variant type: single nucleotide variant.
Coding change: c.1389+36G>A on transcript NM_199242.3 (MANE Select); 36 bases into the intron after coding-DNA position 1389, G replaced by A.
Molecular consequence: intron variant.
Genome position (GRCh38, 1-based): chr17:75,836,303, C>T on the plus strand (G>A on the coding strand, the complement: UNC13D is on the minus strand). VCF-style: chr17-75836303-C-T. GRCh37 (hg19) VCF-style: chr17-73832384-C-T.
Identifiers: ClinVar variation 263212 (VCV000263212.6), dbSNP rs74410877, ClinGen allele CA8773000.